The following is an entry in ClinVar:

NM_000264.5(PTCH1):c.661G>C (p.Glu221Gln)

Gene: PTCH1 (patched 1; minus strand). Cytogenetic location: 9q22.32.
Variant type: single nucleotide variant.
Coding change: c.661G>C on transcript NM_000264.5 (MANE Select); coding-DNA position 661, G replaced by C.
Protein change: p.Glu221Gln; replaces glutamic acid 221 with glutamine.
Molecular consequence: missense variant. On other transcripts: non-coding transcript variant (1).
Genome position (GRCh38, 1-based): chr9:95,482,034, C>G on the plus strand (G>C on the coding strand, the complement: PTCH1 is on the minus strand). VCF-style: chr9-95482034-C-G. GRCh37 (hg19) VCF-style: chr9-98244316-C-G.
Other names: c.463G>C, p.Glu155Gln (NM_001083602.3, NM_001354919.2); c.658G>C, p.Glu220Gln (NM_001083603.3); c.208G>C, p.Glu70Gln (NM_001083604.3, NM_001083605.3, NM_001083606.3 and 1 more transcripts); c.661G>C, p.Glu221Gln (NM_001354918.2); short protein forms E70Q, E155Q, E220Q, E221Q.
Identifiers: ClinVar variation 4146893 (VCV004146893.1).

ClinVar aggregate classification (germline): Uncertain significance (1 of 4 stars; one submission).

Conditions:
Hereditary cancer-predisposing syndrome. Also called: Hereditary neoplastic syndrome; Neoplastic Syndromes, Hereditary; Tumor predisposition; Hereditary Cancer Syndrome. Identifiers: Orphanet 140162, MedGen C0027672, MeSH D009386, MONDO:0015356.

Submission:

Ambry Genetics
Classification: Uncertain significance for Hereditary cancer-predisposing syndrome. Last evaluated: 2025-08-23. Review status: criteria provided, single submitter. Criteria: Ambry Variant Classification Scheme 2023. Collection method: clinical testing. Allele origin: germline.
Comment: The p.E221Q variant (also known as c.661G>C), located in coding exon 5 of the PTCH1 gene, results from a G to C substitution at nucleotide position 661. The glutamic acid at codon 221 is replaced by glutamine, an amino acid with highly similar properties. This amino acid position is conserved. In addition, this alteration is predicted to be deleterious by in silico analysis. Based on the available evidence, the clinical significance of this variant remains unclear.